The following is an entry in ClinVar:

NM_020166.5(MCCC1):c.925G>A (p.Ala309Thr)

Gene: MCCC1 (methylcrotonyl-CoA carboxylase subunit 1; minus strand). Cytogenetic location: 3q27.1.
Variant type: single nucleotide variant.
Coding change: c.925G>A on transcript NM_020166.5 (MANE Select); coding-DNA position 925, G replaced by A.
Protein change: p.Ala309Thr; replaces alanine 309 with threonine.
Molecular consequence: missense variant. On other transcripts: non-coding transcript variant (2).
Genome position (GRCh38, 1-based): chr3:183,052,189, C>T on the plus strand (G>A on the coding strand, the complement: MCCC1 is on the minus strand). VCF-style: chr3-183052189-C-T. GRCh37 (hg19) VCF-style: chr3-182769977-C-T.
Other names: c.574G>A, p.Ala192Thr (NM_001293273.2); c.598G>A, p.Ala200Thr (NM_001363880.1); c.925G>A (NM_020166.4); short protein forms A192T, A200T, A309T.
Identifiers: ClinVar variation 1361934 (VCV001361934.7), dbSNP rs1715029507, ClinGen allele CA355326576.

ClinVar aggregate classification (germline): Uncertain significance. Review status: criteria provided, multiple submitters, no conflicts (2 of 4 stars). 2 submissions from 2 submitters: Uncertain significance (2). Last evaluated 2025-08-18.

Conditions:
3-methylcrotonyl-CoA carboxylase 1 deficiency (MCC1D). Also called: MCCD TYPE 1; METHYLCROTONYLGLYCINURIA TYPE I; MCC 1 deficiency; 3 Alpha methylcrotonylglycinuria 1. Identifiers: Orphanet 6, MedGen CN028786, MONDO:0008861, OMIM 210200.
MCCC1-related disorder. Also called: MCCC1-related condition.

Allele frequency attached by ClinVar (database versions not stated): gnomAD exomes below 0.00001; TOPMed 0.00001.
gnomAD v4.1: 2 of 1,614,124 alleles (0.00012%); highest among the groups gnomAD compares: South Asian, 0.0011%; no homozygotes.

Submissions (2):

Labcorp Genetics (formerly Invitae), Labcorp
Classification: Uncertain significance for 3-methylcrotonyl-CoA carboxylase 1 deficiency. Last evaluated: 2025-08-18. Review status: criteria provided, single submitter. Criteria: Invitae Variant Classification Sherloc (09022015). Collection method: clinical testing. Allele origin: germline.
Comment: This sequence change replaces alanine, which is neutral and non-polar, with threonine, which is neutral and polar, at codon 309 of the MCCC1 protein (p.Ala309Thr). This variant is not present in population databases (gnomAD no frequency). This missense change has been observed in individual(s) with 3-methylcrotonyl-CoA carboxylase deficiency (internal data). ClinVar contains an entry for this variant (Variation ID: 1361934). Invitae Evidence Modeling of protein sequence and biophysical properties (such as structural, functional, and spatial information, amino acid conservation, physicochemical variation, residue mobility, and thermodynamic stability) has been performed for this missense variant. However, the output from this modeling did not meet the statistical confidence thresholds required to predict the impact of this variant on MCCC1 protein function. In summary, the available evidence is currently insufficient to determine the role of this variant in disease. Therefore, it has been classified as a Variant of Uncertain Significance.

PreventionGenetics, part of Exact Sciences
Classification: Uncertain significance for MCCC1-related condition. Last evaluated: 2025-01-23. Review status: criteria provided, single submitter. Criteria: ACMG Guidelines, 2015. Collection method: clinical testing. Allele origin: germline.
Comment: The MCCC1 c.925G>A variant is predicted to result in the amino acid substitution p.Ala309Thr. To our knowledge, this variant has not been reported in the literature or in a large population database (gnomAD), indicating this variant is rare. At this time, the clinical significance of this variant is uncertain due to the absence of conclusive functional and genetic evidence.